The following is an entry in ClinVar:

NM_014712.3(SETD1A):c.800C>T (p.Ser267Phe)

Gene: SETD1A (SET domain containing 1A, histone lysine methyltransferase; plus strand). Cytogenetic location: 16p11.2.
Variant type: single nucleotide variant.
Coding change: c.800C>T on transcript NM_014712.3 (MANE Select); coding-DNA position 800, C replaced by T.
Protein change: p.Ser267Phe; replaces serine 267 with phenylalanine.
Molecular consequence: missense variant.
Genome position (GRCh38, 1-based): chr16:30,964,254, C>T. VCF-style: chr16-30964254-C-T. GRCh37 (hg19) VCF-style: chr16-30975575-C-T.
Other names: short protein forms S267F.
Identifiers: ClinVar variation 3360326 (VCV003360326.2).

ClinVar aggregate classification (germline): Uncertain significance (1 of 4 stars; one submission).

Submission:

GeneDx
Classification: Uncertain significance. Last evaluated: 2026-05-14. Review status: criteria provided, single submitter. Criteria: GeneDx Variant Classification Process June 2021. Collection method: clinical testing. Allele origin: germline.
Comment: Not observed at significant frequency in large population cohorts (gnomAD); In silico analysis suggests that this missense variant does not alter protein structure/function; Has not been previously published as pathogenic or benign to our knowledge